The following is an entry in ClinVar:

ClinVar aggregate classification (germline): Pathogenic (1 of 4 stars; one submission).

Submission:

GeneDx
Classification: Pathogenic. Last evaluated: 2023-03-03. Review status: criteria provided, single submitter. Criteria: GeneDx Variant Classification Process June 2021. Collection method: clinical testing. Allele origin: germline. Affected: yes.
Comment: Frameshift variant predicted to result in protein truncation or nonsense mediated decay in a gene for which loss of function is a known mechanism of disease; Not observed at significant frequency in large population cohorts (gnomAD); This variant is associated with the following publications: (PMID: 21752016)

NM_000214.3(JAG1):c.1473_1474del (p.Ala492fs)

Gene: JAG1 (jagged canonical Notch ligand 1; minus strand). Cytogenetic location: 20p12.2.
Variant type: Microsatellite.
Coding change: c.1473_1474del on transcript NM_000214.3 (MANE Select); coding-DNA positions 1473 to 1474, 2 bases deleted (TG; older notation c.1473_1474delTG).
Protein change: p.Ala492fs; shifts the reading frame from alanine 492.
Molecular consequence: frameshift variant.
Genome position (GRCh38, 1-based): chr20:10,648,644-10,648,645, CA deleted on the plus strand (TG on the coding strand, the reverse complement: JAG1 is on the minus strand); deleting any 2 consecutive bases within chr20:10,648,644-10,648,647 gives the same sequence; the c. name uses the placement nearest the transcript's 3' end. VCF-style (leftmost placement, unchanged base first): chr20-10648643-GCA-G. GRCh37 (hg19) VCF-style: chr20-10629291-GCA-G.
Other names: short protein forms A492fs.
Identifiers: ClinVar variation 2578116 (VCV002578116.1), dbSNP rs2514517223, ClinGen allele CA2580617649.